The following is an entry in ClinVar:

NM_000038.6(APC):c.221-16T>C

Gene: APC (APC regulator of Wnt signaling pathway; plus strand). Cytogenetic location: 5q22.2.
Variant type: single nucleotide variant.
Coding change: c.221-16T>C on transcript NM_000038.6 (MANE Select); 16 bases into the intron before coding-DNA position 221, T replaced by C.
Molecular consequence: intron variant.
Genome position (GRCh38, 1-based): chr5:112,767,173, T>C. VCF-style: chr5-112767173-T-C. GRCh37 (hg19) VCF-style: chr5-112102870-T-C.
Other names: c.221-16T>C (NM_001354895.2, NM_001127510.3, NM_001354896.2 and 2 more transcripts); c.251-16T>C (NM_001354897.2, NM_001354902.2, NM_001127511.3); c.146-16T>C (NM_001354898.2, NM_001354904.2); c.-815-16T>C (NM_001354906.2); c.44-16T>C (NM_001354900.2, NM_001354901.2, NM_001354905.2).
Identifiers: ClinVar variation 372060 (VCV000372060.14), dbSNP rs1046591128, ClinGen allele CA16042083.
Genomic context (GRCh38, chr5:112,767,173, plus strand): 5'-AAATAATATAACATTAAGAATATTTTAGACTGCTTAAAGCAATTGTTGTATAAAAACTTG[T>C]TTCTATTTTATTTAGAGCTTAACTTAGATAGCAGTAATTTCCCTGGAGTAAAACTGCGGT-3'

ClinVar aggregate classification (germline): Likely benign. Review status: criteria provided, multiple submitters, no conflicts (2 of 4 stars). 4 submissions from 4 submitters: Likely benign (3). 1 of the submissions does not count toward it. Last evaluated 2025-10-23.

Conditions:
Hereditary cancer-predisposing syndrome. Also called: Tumor predisposition; Hereditary neoplastic syndrome; Neoplastic Syndromes, Hereditary; Hereditary Cancer Syndrome. Identifiers: Orphanet 140162, MedGen C0027672, MeSH D009386, MONDO:0015356.
Familial adenomatous polyposis 1 (FAP1). Also called: FAMILIAL ADENOMATOUS POLYPOSIS 1, ATTENUATED; POLYPOSIS, ADENOMATOUS INTESTINAL. Identifiers: MedGen C2713442, MONDO:0021056, OMIM 175100. Disease mechanism: loss of function.

Allele frequency attached by ClinVar (database versions not stated): gnomAD exomes below 0.00001; gnomAD 0.00003; TOPMed 0.00004.
gnomAD v4.1: 9 of 1,601,816 alleles (0.00056%); highest among the groups gnomAD compares: African/African-American, 0.011%; no homozygotes.

Submissions (4):

Labcorp Genetics (formerly Invitae), Labcorp
Classification: Likely benign for Familial adenomatous polyposis 1. Last evaluated: 2025-10-23. Review status: criteria provided, single submitter. Criteria: Invitae Variant Classification Sherloc (09022015). Collection method: clinical testing. Allele origin: germline.

Myriad Genetics, Inc.
Classification: Likely benign for Familial adenomatous polyposis 1. Last evaluated: 2023-02-15. Review status: criteria provided, single submitter. Criteria: Myriad Autosomal Dominant, Autosomal Recessive and X-Linked Classification Criteria (2023). Collection method: clinical testing. Allele origin: unknown.
Comment: This variant is considered likely benign. This variant is intronic and is not expected to impact mRNA splicing.

Color Diagnostics, LLC DBA Color Health
Classification: Likely benign for Hereditary cancer-predisposing syndrome. Last evaluated: 2018-12-03. Review status: criteria provided, single submitter. Criteria: ACMG Guidelines, 2015. Collection method: clinical testing. Allele origin: germline.

Counsyl
Classification: Likely benign for Familial adenomatous polyposis 1. Last evaluated: 2016-11-03. Review status: no assertion criteria provided. Collection method: clinical testing. Allele origin: unknown. Not counted in ClinVar's aggregate classification.